The following is an entry in ClinVar:

NM_153676.4(USH1C):c.2226+3A>G

Gene: USH1C (USH1 protein network component harmonin; minus strand). Cytogenetic location: 11p15.1.
Variant type: single nucleotide variant.
Coding change: c.2226+3A>G on transcript NM_153676.4 (MANE Select); 3 bases into the intron after coding-DNA position 2226, A replaced by G.
Molecular consequence: intron variant.
Genome position (GRCh38, 1-based): chr11:17,501,936, T>C on the plus strand (A>G on the coding strand, the complement: USH1C is on the minus strand). VCF-style: chr11-17501936-T-C. GRCh37 (hg19) VCF-style: chr11-17523483-T-C.
Other names: c.1269+3A>G (NM_001297764.2); c.1326+3A>G (NM_005709.4); c.2226+3A>G (NM_153676.3).
Identifiers: ClinVar variation 2199230 (VCV002199230.3), dbSNP rs747724292, ClinGen allele CA5904293.

ClinVar aggregate classification (germline): Uncertain significance. Review status: criteria provided, single submitter (1 of 4 stars). 2 submissions from 2 submitters: Uncertain significance (1). 1 of the submissions does not count toward it. Last evaluated 2022-09-07.

Conditions:
USH1C-related disorder. Also called: USH1C-related condition.

Allele frequency attached by ClinVar (database versions not stated): gnomAD exomes 0.00001; ExAC 0.00002; TOPMed 0.00002.
gnomAD v4.1: 7 of 1,613,604 alleles (0.00043%); highest among the groups gnomAD compares: Admixed American, 0.012%; no homozygotes.

Submissions (2):

Labcorp Genetics (formerly Invitae), Labcorp
Classification: Uncertain significance. Last evaluated: 2022-09-07. Review status: criteria provided, single submitter. Criteria: Invitae Variant Classification Sherloc (09022015). Collection method: clinical testing. Allele origin: germline.
Comment: This sequence change falls in intron 16 of the USH1C gene. It does not directly change the encoded amino acid sequence of the USH1C protein. It affects a nucleotide within the consensus splice site. This variant is present in population databases (rs747724292, gnomAD 0.01%). This variant has not been reported in the literature in individuals affected with USH1C-related conditions. Variants that disrupt the consensus splice site are a relatively common cause of aberrant splicing (PMID: 17576681, 9536098). Algorithms developed to predict the effect of sequence changes on RNA splicing suggest that this variant is not likely to affect RNA splicing. In summary, the available evidence is currently insufficient to determine the role of this variant in disease. Therefore, it has been classified as a Variant of Uncertain Significance.

PreventionGenetics, part of Exact Sciences
Classification: Likely benign for USH1C-related condition. Last evaluated: 2019-08-09. Review status: no assertion criteria provided. Collection method: clinical testing. Allele origin: germline. Not counted in ClinVar's aggregate classification.
Comment: This variant is classified as likely benign based on ACMG/AMP sequence variant interpretation guidelines (Richards et al. 2015 PMID: 25741868, with internal and published modifications).

Literature cited by the submitters: PubMed 17576681 (cited by Labcorp Genetics (formerly Invitae), Labcorp); PubMed 9536098 (cited by Labcorp Genetics (formerly Invitae), Labcorp).